The following is an entry in ClinVar:

NM_001792.5(CDH2):c.848-4C>G

Gene: CDH2 (cadherin 2; minus strand). Cytogenetic location: 18q12.1.
Variant type: single nucleotide variant.
Coding change: c.848-4C>G on transcript NM_001792.5 (MANE Select); 4 bases into the intron before coding-DNA position 848, C replaced by G.
Molecular consequence: intron variant.
Genome position (GRCh38, 1-based): chr18:28,003,173, G>C on the plus strand (C>G on the coding strand, the complement: CDH2 is on the minus strand). VCF-style: chr18-28003173-G-C. GRCh37 (hg19) VCF-style: chr18-25583137-G-C.
Other names: p.?; c.755-4C>G (NM_001308176.2).
Identifiers: ClinVar variation 733030 (VCV000733030.17), dbSNP rs11876365, ClinGen allele CA8923581.

ClinVar aggregate classification (germline): Benign/Likely benign. Review status: criteria provided, multiple submitters, no conflicts (2 of 4 stars). 5 submissions from 5 submitters: Benign (1); Likely benign (3). 1 of the submissions does not count toward it. Last evaluated 2026-03-01.

Conditions:
CDH2-related disorder. Also called: CDH2-related condition.

Allele frequency attached by ClinVar (database versions not stated): gnomAD exomes 0.00027 and 0.00075; ExAC 0.00087; gnomAD 0.00273 and 0.00295; TOPMed 0.00324; 1000 Genomes Project 0.00339; ESP Exome Variant Server 0.00346; 1000 Genomes Project 30x 0.00359.
gnomAD v4.1: 824 of 1,609,688 alleles (0.051%); highest among the groups gnomAD compares: African/African-American, 0.95%; 3 homozygotes.

Submissions (5):

CeGaT Center for Human Genetics Tuebingen
Classification: Likely benign. Last evaluated: 2026-03-01. Review status: criteria provided, single submitter. Criteria: CeGaT Center For Human Genetics Tuebingen Variant Classification Criteria Version 2. Collection method: clinical testing. Allele origin: germline. Affected: yes. Observed: 1 variant allele.
Comment: CDH2: BP4

Labcorp Genetics (formerly Invitae), Labcorp
Classification: Benign. Last evaluated: 2026-01-28. Review status: criteria provided, single submitter. Criteria: Invitae Variant Classification Sherloc (09022015). Collection method: clinical testing. Allele origin: germline.

Mayo Clinic Laboratories, Mayo Clinic
Classification: Likely benign. Last evaluated: 2025-04-08. Review status: criteria provided, single submitter. Criteria: ACMG Guidelines, 2015. Collection method: clinical testing. Allele origin: germline. Observed: 2 variant alleles.
Comment: BS1, BP4, BP7

Blueprint Genetics
Classification: Likely benign. Last evaluated: 2024-10-08. Review status: criteria provided, single submitter. Criteria: ACMG Guidelines, 2015. Collection method: clinical testing. Allele origin: germline.

PreventionGenetics, part of Exact Sciences
Classification: Benign for CDH2-related condition. Last evaluated: 2024-09-25. Review status: no assertion criteria provided. Collection method: clinical testing. Allele origin: germline. Not counted in ClinVar's aggregate classification.
Comment: This variant is classified as benign based on ACMG/AMP sequence variant interpretation guidelines (Richards et al. 2015 PMID: 25741868, with internal and published modifications).